The following is an entry in ClinVar:

NM_001195605.2(ZNF865):c.2170G>T (p.Glu724Ter)

Gene: ZNF865 (zinc finger protein 865; plus strand). Cytogenetic location: 19q13.42.
Variant type: single nucleotide variant.
Coding change: c.2170G>T on transcript NM_001195605.2 (MANE Select); coding-DNA position 2170, G replaced by T.
Protein change: p.Glu724Ter; replaces glutamic acid 724 with a stop codon.
Molecular consequence: nonsense.
Genome position (GRCh38, 1-based): chr19:55,615,788, G>T. VCF-style: chr19-55615788-G-T. GRCh37 (hg19) VCF-style: chr19-56127154-G-T.
Other names: short protein forms E724*.
Identifiers: ClinVar variation 4854682 (VCV004854682.1).

ClinVar aggregate classification (germline): Likely pathogenic (1 of 4 stars; one submission).

Conditions:
ZNF865-related disorder. Also called: ZNF865-related condition.

Submission:

3billion
Classification: Likely pathogenic for ZNF865-related disorder. Last evaluated: 2026-01-01. Review status: criteria provided, single submitter. Criteria: ACMG Guidelines, 2015. Collection method: clinical testing. Allele origin: germline. Affected: yes.
Comment: The variant is not observed in the gnomAD v4.1.0 dataset. Predicted Consequence/Location: Stop-gained (nonsense): predicted to result in a loss or disruption of normal protein function through protein truncation. The predicted truncated protein may be shortened by more than 10%. Therefore, this variant is classified as Likely pathogenic according to the recommendation of ACMG/AMP guideline.